The following is an entry in ClinVar:

NM_021098.3(CACNA1H):c.1045T>C (p.Ser349Pro)

Gene: CACNA1H (calcium voltage-gated channel subunit alpha1 H; plus strand). Cytogenetic location: 16p13.3.
Variant type: single nucleotide variant.
Coding change: c.1045T>C on transcript NM_021098.3 (MANE Select); coding-DNA position 1045, T replaced by C.
Protein change: p.Ser349Pro; replaces serine 349 with proline.
Molecular consequence: missense variant.
Genome position (GRCh38, 1-based): chr16:1,200,497, T>C. VCF-style: chr16-1200497-T-C. GRCh37 (hg19) VCF-style: chr16-1250497-T-C.
Other names: c.1045T>C, p.Ser349Pro (NM_001005407.2); short protein forms S349P.
Identifiers: ClinVar variation 3905887 (VCV003905887.10).
Genomic context (GRCh38, chr16:1,200,497, plus strand): 5'-GGGGTGGGCGCTGCACGCAACGCCTGCATCAACTGGAACCAGTACTACAACGTGTGCCGC[T>C]CGGGTGACTCCAACCCCCACAACGGTGCCATCAACTTCGACAACATCGGCTACGCCTGGA-3'
Protein context (NP_066921.2, residues 339-359): NWNQYYNVCR[Ser349Pro]GDSNPHNGAI

ClinVar aggregate classification (germline): Uncertain significance (1 of 4 stars; one submission).

gnomAD v4.1: 1 of 1,612,186 alleles (0.000062%); highest among the groups gnomAD compares: African/African-American, 0.0013%; no homozygotes.

Submission:

CeGaT Center for Human Genetics Tuebingen
Classification: Uncertain significance. Last evaluated: 2025-05-01. Review status: criteria provided, single submitter. Criteria: CeGaT Center For Human Genetics Tuebingen Variant Classification Criteria Version 2. Collection method: clinical testing. Allele origin: germline. Affected: yes. Observed: 1 variant allele.
Comment: CACNA1H: PM2